The following is an entry in ClinVar:

NM_004715.5(CTDP1):c.2812G>A (p.Glu938Lys)

Gene: CTDP1 (CTD phosphatase subunit 1; plus strand). Cytogenetic location: 18q23.
Variant type: single nucleotide variant.
Coding change: c.2812G>A on transcript NM_004715.5 (MANE Select); coding-DNA position 2812, G replaced by A.
Protein change: p.Glu938Lys; replaces glutamic acid 938 with lysine.
Molecular consequence: missense variant. On other transcripts: 3 prime UTR variant (2).
Genome position (GRCh38, 1-based): chr18:79,753,716, G>A. VCF-style: chr18-79753716-G-A. GRCh37 (hg19) VCF-style: chr18-77513716-G-A.
Other names: c.2455G>A, p.Glu819Lys (NM_001202504.1); c.*41G>A (NM_001318511.2); c.*45G>A (NM_048368.4); short protein forms E938K, E819K.
Identifiers: ClinVar variation 2112007 (VCV002112007.4), dbSNP rs559813716, ClinGen allele CA9010720.

ClinVar aggregate classification (germline): Uncertain significance (1 of 4 stars; one submission).

Allele frequency attached by ClinVar (database versions not stated): ExAC 0.00001; gnomAD 0.00001; 1000 Genomes Project 30x 0.00016; 1000 Genomes Project 0.00020.
gnomAD v4.1: 10 of 1,614,112 alleles (0.00062%); highest among the groups gnomAD compares: East Asian, 0.0045%; no homozygotes.

Submission:

Labcorp Genetics (formerly Invitae), Labcorp
Classification: Uncertain significance. Last evaluated: 2024-02-23. Review status: criteria provided, single submitter. Criteria: Invitae Variant Classification Sherloc (09022015). Collection method: clinical testing. Allele origin: germline.
Comment: This sequence change replaces glutamic acid, which is acidic and polar, with lysine, which is basic and polar, at codon 938 of the CTDP1 protein (p.Glu938Lys). This variant is present in population databases (rs559813716, gnomAD 0.0009%). This variant has not been reported in the literature in individuals affected with CTDP1-related conditions. ClinVar contains an entry for this variant (Variation ID: 2112007). An algorithm developed to predict the effect of missense changes on protein structure and function (PolyPhen-2) suggests that this variant is likely to be disruptive. In summary, the available evidence is currently insufficient to determine the role of this variant in disease. Therefore, it has been classified as a Variant of Uncertain Significance.